The following is an entry in ClinVar:

NM_182961.4(SYNE1):c.19849G>A (p.Val6617Met)

Gene: SYNE1 (spectrin repeat containing nuclear envelope protein 1; minus strand). Cytogenetic location: 6q25.2.
Variant type: single nucleotide variant.
Coding change: c.19849G>A on transcript NM_182961.4 (MANE Select); coding-DNA position 19849, G replaced by A.
Protein change: p.Val6617Met; replaces valine 6617 with methionine.
Molecular consequence: missense variant.
Genome position (GRCh38, 1-based): chr6:152,242,284, C>T on the plus strand (G>A on the coding strand, the complement: SYNE1 is on the minus strand). VCF-style: chr6-152242284-C-T. GRCh37 (hg19) VCF-style: chr6-152563419-C-T.
Other names: c.19636G>A, p.Val6546Met (NM_033071.5); short protein forms V6546M, V6617M.
Identifiers: ClinVar variation 288400 (VCV000288400.13), dbSNP rs184210675, ClinGen allele CA4054565.

ClinVar aggregate classification (germline): Uncertain significance. Review status: criteria provided, multiple submitters, no conflicts (2 of 4 stars). 2 submissions from 2 submitters: Uncertain significance (2). Last evaluated 2024-11-04.

Conditions:
Autosomal recessive ataxia, Beauce type. Also called: Spinocerebellar ataxia, autosomal recessive 8; ATAXIA, RECESSIVE, OF BEAUCE; SYNE1 Deficiency; SYNE1-Related Autosomal Recessive Cerebellar Ataxia. Identifiers: Orphanet 88644, MedGen C1853116, MONDO:0012549, OMIM 610743.
Emery-Dreifuss muscular dystrophy 4, autosomal dominant (EDMD4). Also called: EMERY-DREIFUSS MUSCULAR DYSTROPHY 4 WITH VARIABLE FEATURES. Identifiers: Orphanet 261, MedGen C2751807, MONDO:0013071, OMIM 612998.

Allele frequency attached by ClinVar (database versions not stated): TOPMed 0.00001; gnomAD exomes 0.00002 and 0.00005; gnomAD 0.00003; ExAC 0.00007; 1000 Genomes Project 0.00040; 1000 Genomes Project 30x 0.00047.
gnomAD v4.1: 40 of 1,614,018 alleles (0.0025%); highest among the groups gnomAD compares: South Asian, 0.037%; 1 homozygote.

Submissions (2):

Labcorp Genetics (formerly Invitae), Labcorp
Classification: Uncertain significance for Emery-Dreifuss muscular dystrophy 4, autosomal dominant; Autosomal recessive ataxia, Beauce type. Last evaluated: 2024-11-04. Review status: criteria provided, single submitter. Criteria: Invitae Variant Classification Sherloc (09022015). Collection method: clinical testing. Allele origin: germline.
Comment: This sequence change replaces valine, which is neutral and non-polar, with methionine, which is neutral and non-polar, at codon 6546 of the SYNE1 protein (p.Val6546Met). This variant is present in population databases (rs184210675, gnomAD 0.04%). This variant has not been reported in the literature in individuals affected with SYNE1-related conditions. ClinVar contains an entry for this variant (Variation ID: 288400). An algorithm developed to predict the effect of missense changes on protein structure and function (PolyPhen-2) suggests that this variant is likely to be disruptive. In summary, the available evidence is currently insufficient to determine the role of this variant in disease. Therefore, it has been classified as a Variant of Uncertain Significance.

Eurofins Ntd Llc (ga)
Classification: Uncertain significance. Last evaluated: 2016-06-01. Review status: criteria provided, single submitter. Criteria: EGL Classification Definitions 2015. Collection method: clinical testing. Allele origin: germline. Observed: 1 variant allele, 1 heterozygote.